The following is an entry in ClinVar:

NM_017635.5(KMT5B):c.957C>T (p.Cys319=)

Gene: KMT5B (lysine methyltransferase 5B; minus strand). Cytogenetic location: 11q13.2.
Variant type: single nucleotide variant.
Coding change: c.957C>T on transcript NM_017635.5 (MANE Select); coding-DNA position 957, C replaced by T.
Protein change: p.Cys319=; no amino-acid change (cysteine 319 retained).
Molecular consequence: synonymous variant. On other transcripts: non-coding transcript variant (3).
Genome position (GRCh38, 1-based): chr11:68,171,035, G>A on the plus strand (C>T on the coding strand, the complement: KMT5B is on the minus strand). VCF-style: chr11-68171035-G-A. GRCh37 (hg19) VCF-style: chr11-67938502-G-A.
Other names: NC_000011.9:g.67938502G>A; c.957C>T (NM_017635.4); c.441C>T, p.Cys147= (NM_001300907.1, NM_001369424.1, NM_001369428.1 and 5 more transcripts); c.237C>T, p.Cys79= (NM_001300908.2); c.888C>T, p.Cys296= (NM_001300909.2); c.957C>T, p.Cys319= (NM_001363566.2, NM_001369426.1, NM_001369427.1 and 1 more transcripts); c.744C>T, p.Cys248= (NM_001369425.1).
Identifiers: ClinVar variation 2642038 (VCV002642038.26), dbSNP rs138913197, ClinGen allele CA6148314.

ClinVar aggregate classification (germline): Likely benign. Review status: criteria provided, multiple submitters, no conflicts (2 of 4 stars). 2 submissions from 2 submitters: Likely benign (2). Last evaluated 2024-11-06.

Conditions:
KMT5B-related disorder. Also called: KMT5B-related condition.

Allele frequency attached by ClinVar (database versions not stated): gnomAD exomes 0.00017; ExAC 0.00056; 1000 Genomes Project 0.00120; 1000 Genomes Project 30x 0.00125; gnomAD 0.00152; TOPMed 0.00171; ESP Exome Variant Server 0.00262.
gnomAD v4.1: 477 of 1,590,388 alleles (0.03%); highest among the groups gnomAD compares: African/African-American, 0.54%; no homozygotes.

Submissions (8):

PreventionGenetics, part of Exact Sciences
Classification: Likely benign for KMT5B-related condition. Last evaluated: 2024-11-06. Review status: criteria provided, single submitter. Criteria: ACMG Guidelines, 2015. Collection method: clinical testing. Allele origin: germline.
Comment: This variant is classified as likely benign based on ACMG/AMP sequence variant interpretation guidelines (Richards et al. 2015 PMID: 25741868, with internal and published modifications).

CeGaT Center for Human Genetics Tuebingen
Classification: Likely benign. Last evaluated: 2023-04-01. Review status: criteria provided, single submitter. Criteria: CeGaT Center For Human Genetics Tuebingen Variant Classification Criteria Version 2. Collection method: clinical testing. Allele origin: germline. Affected: yes. Observed: 1 variant allele.
Comment: KMT5B: BP4, BP7, BS1

Dr. Peter K. Rogan Lab, Western University
No classification provided (evidence only). Condition: Lung cancer. Review status: no classification provided. Collection method: in vitro. Allele origin: not applicable. Functional consequence: retained intron. Not counted in ClinVar's aggregate classification.

Dr. Peter K. Rogan Lab, Western University
No classification provided (evidence only). Condition: Familial cancer of breast. Review status: no classification provided. Collection method: in vitro. Allele origin: not applicable. Functional consequence: retained intron. Not counted in ClinVar's aggregate classification.

Dr. Peter K. Rogan Lab, Western University
No classification provided (evidence only). Condition: Acute myeloid leukemia. Review status: no classification provided. Collection method: in vitro. Allele origin: not applicable. Functional consequence: retained intron. Not counted in ClinVar's aggregate classification.

Dr. Peter K. Rogan Lab, Western University
No classification provided (evidence only). Condition: Colon adenocarcinoma. Review status: no classification provided. Collection method: in vitro. Allele origin: not applicable. Functional consequence: retained intron. Not counted in ClinVar's aggregate classification.

Dr. Peter K. Rogan Lab, Western University
No classification provided (evidence only). Condition: Cervical cancer. Review status: no classification provided. Collection method: in vitro. Allele origin: not applicable. Functional consequence: retained intron. Not counted in ClinVar's aggregate classification.

Dr. Peter K. Rogan Lab, Western University
No classification provided (evidence only). Condition: Thymoma. Review status: no classification provided. Collection method: in vitro. Allele origin: not applicable. Functional consequence: retained intron. Not counted in ClinVar's aggregate classification.